The following is an entry in ClinVar:

NM_003120.3(SPI1):c.328C>T (p.Gln110Ter)

Gene: SPI1 (Spi-1 proto-oncogene; minus strand). Cytogenetic location: 11p11.2.
Variant type: single nucleotide variant.
Coding change: c.328C>T on transcript NM_003120.3 (MANE Select); coding-DNA position 328, C replaced by T.
Protein change: p.Gln110Ter; replaces glutamine 110 with a stop codon.
Molecular consequence: nonsense.
Genome position (GRCh38, 1-based): chr11:47,359,855, G>A on the plus strand (C>T on the coding strand, the complement: SPI1 is on the minus strand). VCF-style: chr11-47359855-G-A. GRCh37 (hg19) VCF-style: chr11-47381406-G-A.
Other names: c.331C>T, p.Gln111Ter (NM_001080547.2); short protein forms Q110*, Q111*.
Identifiers: ClinVar variation 989450 (VCV000989450.4), dbSNP rs2142884393, ClinGen allele CA380352265.

ClinVar aggregate classification (germline): Pathogenic. Review status: criteria provided, single submitter (1 of 4 stars). 4 submissions from 3 submitters: Pathogenic (1). 3 of the submissions do not count toward it. Last evaluated 2022-06-22.

Conditions:
Agammaglobulinemia. Identifiers: Orphanet 183669, MedGen C0001768, MeSH D000361, MONDO:0015977, HP:0004432.
PU.1-mutated agammaglobulinemia.
Agammaglobulinemia 10, autosomal dominant (AGM10). Also called: AGAMMAGLOBULINEMIA, AUTOSOMAL DOMINANT, DUE TO SPI1 DEFECT. Identifiers: MedGen C5676900, MONDO:0030529, OMIM 619707.

Submissions (4):

SIB Swiss Institute of Bioinformatics
Classification: Pathogenic for Agammaglobulinemia 10, autosomal dominant. Last evaluated: 2022-06-22. Review status: criteria provided, single submitter. Criteria: ACMG Guidelines, 2015. Collection method: curation. Allele origin: unknown.
Comment: This variant is interpreted as pathogenic for Agammaglobulinemia 10, autosomal dominant. The following ACMG Tag(s) were applied: Absent from controls (or at extremely low frequency if recessive) in Exome Sequencing Project, 1000 Genomes Project, or Exome Aggregation Consortium (PM2); Assumed de novo, but without confirmation of paternity and maternity (PM6); Predicted nullvariant in a gene where LOF is a known mechanism of disease (PVS1 downgraded to strong); Well-established functional studies show a deleterious effect (PS3).

Neil Romberg Laboratory, Children's Hospital of Philadelphia
Classification: Pathogenic for Agammaglobulinemia. Last evaluated: 2024-08-28. Review status: no assertion criteria provided. Collection method: research. Allele origin: germline. Affected: yes. Not counted in ClinVar's aggregate classification.

OMIM
Classification: Pathogenic for AGAMMAGLOBULINEMIA 10, AUTOSOMAL DOMINANT. Last evaluated: 2022-01-25. Review status: no assertion criteria provided. Collection method: literature only. Allele origin: germline. Not counted in ClinVar's aggregate classification.

Neil Romberg Laboratory, Children's Hospital of Philadelphia
Classification: Pathogenic for PU.1-mutated agammaglobulinemia. Last evaluated: 2020-12-18. Review status: no assertion criteria provided. Collection method: research. Allele origin: de novo. Affected: yes. Not counted in ClinVar's aggregate classification.

Literature cited by the submitters: PubMed 33951726 (cited by SIB Swiss Institute of Bioinformatics and OMIM).